The following is an entry in ClinVar:

ClinVar aggregate classification (germline): Likely benign (1 of 4 stars; one submission).

Conditions:
EBF3-related disorder. Identifiers: MedGen CN239924.

gnomAD v4.1: 176 of 1,585,066 alleles (0.011%); highest among the groups gnomAD compares: Non-Finnish European, 0.014%; no homozygotes.

Submission:

PreventionGenetics, part of Exact Sciences
Classification: Likely benign for EBF3-related condition. Last evaluated: 2024-11-27. Review status: criteria provided, single submitter. Criteria: ACMG Guidelines, 2015. Collection method: clinical testing. Allele origin: germline.
Comment: This variant is classified as likely benign based on ACMG/AMP sequence variant interpretation guidelines (Richards et al. 2015 PMID: 25741868, with internal and published modifications).

NM_001375380.1(EBF3):c.485+9C>T

Gene: EBF3 (EBF transcription factor 3; minus strand). Cytogenetic location: 10q26.3.
Variant type: single nucleotide variant.
Coding change: c.485+9C>T on transcript NM_001375380.1 (MANE Select); 9 bases into the intron after coding-DNA position 485, C replaced by T.
Molecular consequence: intron variant.
Genome position (GRCh38, 1-based): chr10:129,958,925, G>A on the plus strand (C>T on the coding strand, the complement: EBF3 is on the minus strand). VCF-style: chr10-129958925-G-A. GRCh37 (hg19) VCF-style: chr10-131757189-G-A.
Other names: c.485+9C>T (NM_001375392.1, NM_001005463.3, NM_001375390.1 and 3 more transcripts).
Identifiers: ClinVar variation 4978031 (VCV004978031.1).